The following is an entry in ClinVar:

ClinVar aggregate classification (germline): Likely benign. Review status: criteria provided, single submitter (1 of 4 stars). 2 submissions from 2 submitters: Likely benign (1). 1 of the submissions does not count toward it. Last evaluated 2026-01-12.

Conditions:
BMP1-related disorder. Also called: BMP1-related condition.

Allele frequency attached by ClinVar (database versions not stated): ExAC 0.00008; gnomAD 0.00008; gnomAD exomes 0.00010; 1000 Genomes Project 30x 0.00016; 1000 Genomes Project 0.00020.
gnomAD v4.1: 123 of 1,583,220 alleles (0.0078%); highest among the groups gnomAD compares: Middle Eastern, 0.067%; no homozygotes.

Submissions (2):

Labcorp Genetics (formerly Invitae), Labcorp
Classification: Likely benign. Last evaluated: 2026-01-12. Review status: criteria provided, single submitter. Criteria: Invitae Variant Classification Sherloc (09022015). Collection method: clinical testing. Allele origin: germline.

PreventionGenetics, part of Exact Sciences
Classification: Likely benign for BMP1-related condition. Last evaluated: 2019-05-08. Review status: no assertion criteria provided. Collection method: clinical testing. Allele origin: germline. Not counted in ClinVar's aggregate classification.
Comment: This variant is classified as likely benign based on ACMG/AMP sequence variant interpretation guidelines (Richards et al. 2015 PMID: 25741868, with internal and published modifications).

NM_006129.5(BMP1):c.2108-692G>A

Gene: BMP1 (bone morphogenetic protein 1; plus strand). Cytogenetic location: 8p21.3.
Variant type: single nucleotide variant.
Coding change: c.2108-692G>A on transcript NM_006129.5 (MANE Select); 692 bases into the intron before coding-DNA position 2108, G replaced by A.
Molecular consequence: intron variant.
Genome position (GRCh38, 1-based): chr8:22,201,111, G>A. VCF-style: chr8-22201111-G-A. GRCh37 (hg19) VCF-style: chr8-22058624-G-A.
Other names: c.2108-7G>A (NM_001199.4, NM_001199.3).
Identifiers: ClinVar variation 1545613 (VCV001545613.10), dbSNP rs200238580, ClinGen allele CA4665076.
Genomic context (GRCh38, chr8:22,201,111, plus strand): 5'-CCCTCCCTGGTCCCTGCCCTCCACCCCCACCCCTTGGTCCCTTTTCTCCTTCTCTCTCTC[G>A]TTTCAGAAAAGAGGCCAGCTCTGCAGCCCCCTCGGGGACGCCCCCACCAGCTCAAATTCC-3'